The following is an entry in ClinVar:

NM_025137.4(SPG11):c.6530_6534del (p.Asp2177fs)

Gene: SPG11 (SPG11 vesicle trafficking associated, spatacsin; minus strand). Cytogenetic location: 15q21.1.
Variant type: Microsatellite.
Coding change: c.6530_6534del on transcript NM_025137.4 (MANE Select); coding-DNA positions 6530 to 6534, 5 bases deleted (ATTTG; older notation c.6530_6534delATTTG).
Protein change: p.Asp2177fs; shifts the reading frame from aspartic acid 2177.
Molecular consequence: frameshift variant.
Genome position (GRCh38, 1-based): chr15:44,569,449-44,569,453, CAAAT deleted on the plus strand (ATTTG on the coding strand, the reverse complement: SPG11 is on the minus strand); deleting any 5 consecutive bases within chr15:44,569,449-44,569,458 gives the same sequence; the c. name uses the placement nearest the transcript's 3' end. VCF-style (leftmost placement, unchanged base first): chr15-44569448-GCAAAT-G. GRCh37 (hg19) VCF-style: chr15-44861646-GCAAAT-G.
Other names: p.Asp2177AlafsTer3; c.6191_6195del, p.Asp2064fs (NM_001160227.2); c.6386_6390del, p.Asp2129fs (NM_001411132.1); short protein forms D2064fs, D2177fs, D2129fs.
Identifiers: ClinVar variation 3148837 (VCV003148837.2).

ClinVar aggregate classification (germline): Pathogenic (1 of 4 stars; one submission).

Conditions:
Hereditary spastic paraplegia 11. Also called: Spastic paraplegia, mental retardation and thin corpus callosum; Spastic Paraplegia 11; SPASTIC PARAPLEGIA, AUTOSOMAL RECESSIVE, COMPLICATED, WITH THIN CORPUS CALLOSUM; SPASTIC PARAPLEGIA, AUTOSOMAL RECESSIVE, WITH MENTAL IMPAIRMENT AND THIN CORPUS CALLOSUM; Nakamura Osame syndrome; Autosomal recessive hereditary spastic paraplegia, mental impairment, and thin corpus callosum. Identifiers: Orphanet 2822, MedGen C1858479, MONDO:0011445, OMIM 604360.

Submission:

University of Science and Technology Houari Boumediene, Laboratory of Molecular and Cellular Biology (LBCM)
Classification: Pathogenic for Hereditary spastic paraplegia 11. Last evaluated: 2024-04-20. Review status: criteria provided, single submitter. Criteria: ACMG Guidelines, 2015. Collection method: research. Allele origin: biparental. Inheritance: Autosomal recessive inheritance. Affected: yes. Observed: 3 variant alleles, 3 homozygotes. Clinical features observed: Spastic paraplegia (HP:0001258), Mental deterioration (HP:0001268), Intellectual disability (HP:0001249).
Comment: This frameshift variant has not been reported in publicly available databases such as 1000 Genomes and gnomAD. Complete co-segregation between the variant allele and the disease distribution was observed in the patients’ family. The three affected siblings were homozygous for the variant allele, whereas unaffected relatives were homozygous for the wild-type allele or heterozygous carriers.